The following is an entry in ClinVar:

ClinVar aggregate classification (germline): Uncertain significance (1 of 4 stars; one submission).

Conditions:
Periodontitis, aggressive. Identifiers: MedGen C0031106, MONDO:0980757.
Papillon-Lefèvre syndrome (PALS). Also called: KERATOSIS PALMOPLANTARIS WITH PERIODONTOPATHIA; Papillon-Lefevre Disease. Identifiers: Orphanet 678, MedGen C0030360, MONDO:0009490, OMIM 245000.
Haim-Munk syndrome (HMS). Also called: COCHIN JEWISH DISORDER; KERATOSIS PALMOPLANTARIS WITH PERIODONTOPATHIA AND ONYCHOGRYPOSIS. Identifiers: Orphanet 2342, MedGen C1855627, MONDO:0009491, OMIM 245010.

Submission:

Labcorp Genetics (formerly Invitae), Labcorp
Classification: Uncertain significance for Haim-Munk syndrome; Periodontitis, aggressive; Papillon-Lefèvre syndrome. Last evaluated: 2021-08-14. Review status: criteria provided, single submitter. Criteria: Invitae Variant Classification Sherloc (09022015). Collection method: clinical testing. Allele origin: germline.
Comment: This sequence change replaces cysteine with tyrosine at codon 337 of the CTSC protein (p.Cys337Tyr). The cysteine residue is highly conserved and there is a large physicochemical difference between cysteine and tyrosine. This variant is not present in population databases (ExAC no frequency). This variant has not been reported in the literature in individuals affected with CTSC-related conditions. Algorithms developed to predict the effect of missense changes on protein structure and function are either unavailable or do not agree on the potential impact of this missense change (SIFT: "Not Available"; PolyPhen-2: "Possibly Damaging"; Align-GVGD: "Not Available"). In summary, the available evidence is currently insufficient to determine the role of this variant in disease. Therefore, it has been classified as a Variant of Uncertain Significance.

NM_001814.6(CTSC):c.1010G>A (p.Cys337Tyr)

Gene: CTSC (cathepsin C; minus strand). Cytogenetic location: 11q14.2.
Variant type: single nucleotide variant.
Coding change: c.1010G>A on transcript NM_001814.6 (MANE Select); coding-DNA position 1010, G replaced by A.
Protein change: p.Cys337Tyr; replaces cysteine 337 with tyrosine.
Molecular consequence: missense variant.
Genome position (GRCh38, 1-based): chr11:88,294,388, C>T on the plus strand (G>A on the coding strand, the complement: CTSC is on the minus strand). VCF-style: chr11-88294388-C-T. GRCh37 (hg19) VCF-style: chr11-88027556-C-T.
Other names: short protein forms C337Y.
Identifiers: ClinVar variation 1504553 (VCV001504553.5), dbSNP rs2496529785, ClinGen allele CA382022077.